The following is an entry in ClinVar:

ClinVar aggregate classification (germline): Pathogenic (1 of 4 stars; one submission).

Conditions:
Charcot-Marie-Tooth disease type 2. Also called: Charcot-Marie-Tooth type 2. Identifiers: Orphanet 64746, MedGen C0270914, MONDO:0018993.

Submission:

Labcorp Genetics (formerly Invitae), Labcorp
Classification: Pathogenic for Charcot-Marie-Tooth disease type 2. Last evaluated: 2024-10-31. Review status: criteria provided, single submitter. Criteria: Invitae Variant Classification Sherloc (09022015). Collection method: clinical testing. Allele origin: germline.
Comment: This sequence change creates a premature translational stop signal (p.Ala516Hisfs*32) in the LMNA gene. It is expected to result in an absent or disrupted protein product. Loss-of-function variants in LMNA are known to be pathogenic (PMID: 18585512, 18926329). This variant is not present in population databases (gnomAD no frequency). This variant has not been reported in the literature in individuals affected with LMNA-related conditions. For these reasons, this variant has been classified as Pathogenic.

Literature cited by the submitters: PubMed 18585512; PubMed 18926329.

NM_170707.4(LMNA):c.1546del (p.Ala516fs)

Gene: LMNA (lamin A/C; plus strand). Cytogenetic location: 1q22.
Variant type: Deletion.
Coding change: c.1546del on transcript NM_170707.4 (MANE Select); coding-DNA position 1546, one base deleted (G; older notation c.1546delG).
Protein change: p.Ala516fs; shifts the reading frame from alanine 516.
Molecular consequence: frameshift variant.
Genome position (GRCh38, 1-based): chr1:156,137,170, G deleted; the last of 2 consecutive G bases (chr1:156,137,169-156,137,170); deleting either gives the same sequence. VCF-style (leftmost placement, unchanged base first): chr1-156137168-AG-A. GRCh37 (hg19) VCF-style: chr1-156106959-AG-A.
Other names: c.988del, p.Ala330fs (NM_001407003.1, NM_001406990.1, NM_001406993.1 and 4 more transcripts); c.1546del, p.Ala516fs (NM_005572.4, NM_170708.4, NM_001406985.1 and 6 more transcripts); c.1303del, p.Ala435fs (NM_001406986.1, NM_001406987.1, NM_001282624.2); c.1249del, p.Ala417fs (NM_001406988.1); c.1210del, p.Ala404fs (NM_001406989.1, NM_001406998.1, NM_001257374.3); c.922del, p.Ala308fs (NM_001406994.1, NM_001406999.1, NM_001407000.1 and 1 more transcripts); short protein forms A435fs, A330fs, A404fs, A417fs, A516fs, A308fs.
Identifiers: ClinVar variation 3724384 (VCV003724384.2).
Genomic context (GRCh38, chr1:156,137,168, plus strand): 5'-TCCAGATCTGGGCTGCAGGAGCTGGGGCCACCCACAGCCCCCCTACCGACCTGGTGTGGA[AG>A]GCACAGAACACCTGGGGCTGCGGGAACAGCCTGCGTACGGCTCTCATCAACTCCACTGGG-3'